The following is an entry in ClinVar:

NM_004168.4(SDHA):c.1427G>A (p.Arg476Lys)

Gene: SDHA (succinate dehydrogenase complex flavoprotein subunit A; plus strand). Cytogenetic location: 5p15.33.
Variant type: single nucleotide variant.
Coding change: c.1427G>A on transcript NM_004168.4 (MANE Select); coding-DNA position 1427, G replaced by A.
Protein change: p.Arg476Lys; replaces arginine 476 with lysine.
Molecular consequence: missense variant.
Genome position (GRCh38, 1-based): chr5:236,594, G>A. VCF-style: chr5-236594-G-A. GRCh37 (hg19) VCF-style: chr5-236709-G-A.
Other names: c.1283G>A, p.Arg428Lys (NM_001294332.2); c.1427G>A, p.Arg476Lys (NM_001330758.2); c.1427G>A (NM_004168.2); short protein forms R428K, R476K.
Identifiers: ClinVar variation 1362401 (VCV001362401.4), dbSNP rs2126590736, ClinGen allele CA359014132.

ClinVar aggregate classification (germline): Uncertain significance. Review status: criteria provided, multiple submitters, no conflicts (2 of 4 stars). 2 submissions from 2 submitters: Uncertain significance (2). Last evaluated 2026-05-02.

Conditions:
Mitochondrial complex II deficiency, nuclear type 1. Also called: SUCCINATE CoQ REDUCTASE DEFICIENCY. Identifiers: Orphanet 3208, MedGen C5700310, MONDO:0100294, OMIM 252011.
Pheochromocytoma/paraganglioma syndrome 5. Also called: Paragangliomas 5; SDHA-Related Hereditary Paraganglioma-Pheochromocytoma Syndrome. Identifiers: Orphanet 29072, MedGen C3279992, MONDO:0013602, OMIM 614165.
Hereditary cancer-predisposing syndrome. Also called: Tumor predisposition; Hereditary Cancer Syndrome; Hereditary neoplastic syndrome; Neoplastic Syndromes, Hereditary. Identifiers: Orphanet 140162, MedGen C0027672, MeSH D009386, MONDO:0015356.

Submissions (2):

Ambry Genetics
Classification: Uncertain significance for Hereditary cancer-predisposing syndrome. Last evaluated: 2026-05-02. Review status: criteria provided, single submitter. Criteria: Ambry Variant Classification Scheme 2023. Collection method: clinical testing. Allele origin: germline.
Comment: The p.R476K variant (also known as c.1427G>A), located in coding exon 10 of the SDHA gene, results from a G to A substitution at nucleotide position 1427. The arginine at codon 476 is replaced by lysine, an amino acid with highly similar properties. This amino acid position is conserved. In addition, this alteration is predicted to be tolerated by in silico analysis. Based on the available evidence, the clinical significance of this variant remains unclear.

Labcorp Genetics (formerly Invitae), Labcorp
Classification: Uncertain significance for Pheochromocytoma/paraganglioma syndrome 5; Mitochondrial complex II deficiency, nuclear type 1. Last evaluated: 2021-08-26. Review status: criteria provided, single submitter. Criteria: Invitae Variant Classification Sherloc (09022015). Collection method: clinical testing. Allele origin: germline.